The following is an entry in ClinVar:

NM_006244.4(PPP2R5B):c.277T>A (p.Cys93Ser)

Gene: PPP2R5B (protein phosphatase 2 regulatory subunit B'beta; plus strand). Cytogenetic location: 11q13.1.
Variant type: single nucleotide variant.
Coding change: c.277T>A on transcript NM_006244.4 (MANE Select); coding-DNA position 277, T replaced by A.
Protein change: p.Cys93Ser; replaces cysteine 93 with serine.
Molecular consequence: missense variant.
Genome position (GRCh38, 1-based): chr11:64,926,789, T>A. VCF-style: chr11-64926789-T-A. GRCh37 (hg19) VCF-style: chr11-64694261-T-A.
Other names: short protein forms C93S.
Identifiers: ClinVar variation 1953840 (VCV001953840.5), dbSNP rs971684498, ClinGen allele CA223919587.

ClinVar aggregate classification (germline): Uncertain significance (1 of 4 stars; one submission).

Allele frequency attached by ClinVar (database versions not stated): TOPMed 0.00002.

Submission:

Labcorp Genetics (formerly Invitae), Labcorp
Classification: Uncertain significance. Last evaluated: 2022-04-04. Review status: criteria provided, single submitter. Criteria: Invitae Variant Classification Sherloc (09022015). Collection method: clinical testing. Allele origin: germline.
Comment: This sequence change replaces cysteine, which is neutral and slightly polar, with serine, which is neutral and polar, at codon 93 of the PPP2R5B protein (p.Cys93Ser). This variant is not present in population databases (gnomAD no frequency). This variant has not been reported in the literature in individuals affected with PPP2R5B-related conditions. Algorithms developed to predict the effect of missense changes on protein structure and function are either unavailable or do not agree on the potential impact of this missense change (SIFT: "Tolerated"; PolyPhen-2: "Probably Damaging"; Align-GVGD: "Class C0"). Algorithms developed to predict the effect of sequence changes on RNA splicing suggest that this variant may create or strengthen a splice site. In summary, the available evidence is currently insufficient to determine the role of this variant in disease. Therefore, it has been classified as a Variant of Uncertain Significance.